The following is an entry in ClinVar:

ClinVar aggregate classification (germline): Uncertain significance (1 of 4 stars; one submission).

Conditions:
Chédiak-Higashi syndrome (CHS). Also called: Chediak-Higashi Syndrome. Identifiers: Orphanet 167, MedGen C0007965, MONDO:0008963, OMIM 214500.

Allele frequency attached by ClinVar (database versions not stated): gnomAD exomes below 0.00001; TOPMed below 0.00001.
gnomAD v4.1: 5 of 1,613,850 alleles (0.00031%); highest among the groups gnomAD compares: Non-Finnish European, 0.00042%; no homozygotes.

Submission:

Labcorp Genetics (formerly Invitae), Labcorp
Classification: Uncertain significance for Chédiak-Higashi syndrome. Last evaluated: 2022-09-01. Review status: criteria provided, single submitter. Criteria: Invitae Variant Classification Sherloc (09022015). Collection method: clinical testing. Allele origin: germline.
Comment: This sequence change replaces isoleucine, which is neutral and non-polar, with leucine, which is neutral and non-polar, at codon 3642 of the LYST protein (p.Ile3642Leu). This variant is not present in population databases (gnomAD no frequency). This variant has not been reported in the literature in individuals affected with LYST-related conditions. Algorithms developed to predict the effect of missense changes on protein structure and function output the following: SIFT: "Tolerated"; PolyPhen-2: "Benign"; Align-GVGD: "Class C0". The leucine amino acid residue is found in multiple mammalian species, which suggests that this missense change does not adversely affect protein function. In summary, the available evidence is currently insufficient to determine the role of this variant in disease. Therefore, it has been classified as a Variant of Uncertain Significance.

NM_000081.4(LYST):c.10924A>C (p.Ile3642Leu)

Gene: LYST (lysosomal trafficking regulator; minus strand). Cytogenetic location: 1q42.3.
Variant type: single nucleotide variant.
Coding change: c.10924A>C on transcript NM_000081.4 (MANE Select); coding-DNA position 10924, A replaced by C.
Protein change: p.Ile3642Leu; replaces isoleucine 3642 with leucine.
Molecular consequence: missense variant.
Genome position (GRCh38, 1-based): chr1:235,677,496, T>G on the plus strand (A>C on the coding strand, the complement: LYST is on the minus strand). VCF-style: chr1-235677496-T-G. GRCh37 (hg19) VCF-style: chr1-235840796-T-G.
Other names: c.10924A>C, p.Ile3642Leu (NM_001301365.1); short protein forms I3642L.
Identifiers: ClinVar variation 2195930 (VCV002195930.1), dbSNP rs1659475185, ClinGen allele CA344921663.